The following is an entry in ClinVar:

ClinVar aggregate classification (germline): Uncertain significance (1 of 4 stars; one submission).

Conditions:
MKKS-related disorder. Also called: MKKS-related condition; MKKS-related disorders.

Submission:

PreventionGenetics, part of Exact Sciences
Classification: Uncertain significance for MKKS-related condition. Last evaluated: 2025-02-09. Review status: criteria provided, single submitter. Criteria: ACMG Guidelines, 2015. Collection method: clinical testing. Allele origin: germline.
Comment: The MKKS c.623G>C variant is predicted to result in the amino acid substitution p.Arg208Thr. To our knowledge, this variant has not been reported in the literature or in a large population database, indicating this variant is rare. At this time, the clinical significance of this variant is uncertain due to the absence of conclusive functional and genetic evidence.

NM_170784.3(MKKS):c.623G>C (p.Arg208Thr)

Gene: MKKS (MKKS centrosomal shuttling protein; minus strand). Cytogenetic location: 20p12.2.
Variant type: single nucleotide variant.
Coding change: c.623G>C on transcript NM_170784.3 (MANE Select); coding-DNA position 623, G replaced by C.
Protein change: p.Arg208Thr; replaces arginine 208 with threonine.
Molecular consequence: missense variant.
Genome position (GRCh38, 1-based): chr20:10,412,892, C>G on the plus strand (G>C on the coding strand, the complement: MKKS is on the minus strand). VCF-style: chr20-10412892-C-G. GRCh37 (hg19) VCF-style: chr20-10393540-C-G.
Other names: c.623G>C, p.Arg208Thr (NM_018848.3); short protein forms R208T.
Identifiers: ClinVar variation 3348485 (VCV003348485.2).